The following is an entry in ClinVar:

ClinVar aggregate classification (germline): Uncertain significance (1 of 4 stars; one submission).

Conditions:
Long QT syndrome (LQTS). Identifiers: MedGen C0023976, MeSH D008133, MONDO:0002442. Disease mechanism: loss of function. Inheritance: Various modes of inheritance.

Submission:

Labcorp Genetics (formerly Invitae), Labcorp
Classification: Uncertain significance for Long QT syndrome. Last evaluated: 2024-09-23. Review status: criteria provided, single submitter. Criteria: Invitae Variant Classification Sherloc (09022015). Collection method: clinical testing. Allele origin: germline.
Comment: This sequence change replaces arginine, which is basic and polar, with leucine, which is neutral and non-polar, at codon 1889 of the CACNA1C protein (p.Arg1889Leu). This variant is not present in population databases (gnomAD no frequency). This variant has not been reported in the literature in individuals affected with CACNA1C-related conditions. Invitae Evidence Modeling of protein sequence and biophysical properties (such as structural, functional, and spatial information, amino acid conservation, physicochemical variation, residue mobility, and thermodynamic stability) indicates that this missense variant is not expected to disrupt CACNA1C protein function with a negative predictive value of 95%. In summary, the available evidence is currently insufficient to determine the role of this variant in disease. Therefore, it has been classified as a Variant of Uncertain Significance.

NM_000719.7(CACNA1C):c.5666G>T (p.Arg1889Leu)

Genes: CACNA1C (calcium voltage-gated channel subunit alpha1 C; plus strand), CACNA1C-AS1 (CACNA1C antisense RNA 1; minus strand). Cytogenetic location: 12p13.33.
Variant type: single nucleotide variant.
Coding change: c.5666G>T on transcript NM_000719.7 (MANE Select); coding-DNA position 5666, G replaced by T.
Protein change: p.Arg1889Leu; replaces arginine 1889 with leucine.
Molecular consequence: missense variant.
Genome position (GRCh38, 1-based): chr12:2,685,828, G>T. VCF-style: chr12-2685828-G-T. GRCh37 (hg19) VCF-style: chr12-2794994-G-T.
Other names: c.5810G>T, p.Arg1937Leu (NM_001129827.2); c.5789G>T, p.Arg1930Leu (NM_001129829.2); c.5771G>T, p.Arg1924Leu (NM_001129830.3, NM_001167624.3); c.5750G>T, p.Arg1917Leu (NM_001129831.2); c.5726G>T, p.Arg1909Leu (NM_001129832.2); c.5723G>T, p.Arg1908Leu (NM_001129833.2, NM_001129834.2, NM_001129835.2); c.5717G>T, p.Arg1906Leu (NM_001129836.2); c.5690G>T, p.Arg1897Leu (NM_001129837.2, NM_001129838.2); and 6 more; short protein forms R1878L, R1886L, R1889L, R1895L, R1897L, R1906L, R1908L, R1909L.
Identifiers: ClinVar variation 3628259 (VCV003628259.2).
Genomic context (GRCh38, chr12:2,685,828, plus strand): 5'-TGACGCTCCCAGAGGAGGACAAGAGGGACATCCGGCAATCTCCGAAGAGGGGTTTCCTCC[G>T]CTCTGCCTCACTAGGTAAATGCACCGCTCGCTCTCTGGATGTGGTCGGCGGTTACTCCCT-3'
Protein context (NP_000710.5, residues 1879-1899): IRQSPKRGFL[Arg1889Leu]SASLGRRASF